The following is an entry in ClinVar:

ClinVar aggregate classification (germline): Uncertain significance. Review status: criteria provided, multiple submitters, no conflicts (2 of 4 stars). 3 submissions from 3 submitters: Uncertain significance (3). Last evaluated 2025-08-02.

Conditions:
Inborn genetic diseases. Identifiers: MedGen C0950123, MeSH D030342.

Allele frequency attached by ClinVar (database versions not stated): ExAC 0.00001; gnomAD 0.00001; gnomAD exomes 0.00001; TOPMed 0.00001.
gnomAD v4.1: 10 of 1,611,846 alleles (0.00062%); highest among the groups gnomAD compares: Non-Finnish European, 0.00076%; no homozygotes.

Submissions (3):

Labcorp Genetics (formerly Invitae), Labcorp
Classification: Uncertain significance. Last evaluated: 2025-08-02. Review status: criteria provided, single submitter. Criteria: Invitae Variant Classification Sherloc (09022015). Collection method: clinical testing. Allele origin: germline.
Comment: This sequence change replaces lysine, which is basic and polar, with arginine, which is basic and polar, at codon 50 of the SAMD9 protein (p.Lys50Arg). This variant is present in population databases (rs764461512, gnomAD 0.0009%). This variant has not been reported in the literature in individuals affected with SAMD9-related conditions. ClinVar contains an entry for this variant (Variation ID: 1704753). Invitae Evidence Modeling of protein sequence and biophysical properties (such as structural, functional, and spatial information, amino acid conservation, physicochemical variation, residue mobility, and thermodynamic stability) indicates that this missense variant is not expected to disrupt SAMD9 protein function with a negative predictive value of 95%. In summary, the available evidence is currently insufficient to determine the role of this variant in disease. Therefore, it has been classified as a Variant of Uncertain Significance.

Ambry Genetics
Classification: Uncertain significance for Inborn genetic diseases. Last evaluated: 2024-12-08. Review status: criteria provided, single submitter. Criteria: Ambry Variant Classification Scheme 2023. Collection method: clinical testing. Allele origin: germline.
Comment: The p.K50R variant (also known as c.149A>G), located in coding exon 1 of the SAMD9 gene, results from an A to G substitution at nucleotide position 149. The lysine at codon 50 is replaced by arginine, an amino acid with highly similar properties. This amino acid position is conserved. In addition, this alteration is predicted to be tolerated by in silico analysis. Based on the available evidence, the clinical significance of this variant remains unclear.

GeneDx
Classification: Uncertain significance. Last evaluated: 2022-03-11. Review status: criteria provided, single submitter. Criteria: GeneDx Variant Classification Process June 2021. Collection method: clinical testing. Allele origin: germline. Affected: yes.
Comment: Not observed at significant frequency in large population cohorts (gnomAD); In silico analysis supports that this missense variant does not alter protein structure/function; Has not been previously published as pathogenic or benign to our knowledge

NM_017654.4(SAMD9):c.149A>G (p.Lys50Arg)

Gene: SAMD9 (sterile alpha motif domain containing 9; minus strand). Cytogenetic location: 7q21.2.
Variant type: single nucleotide variant.
Coding change: c.149A>G on transcript NM_017654.4 (MANE Select); coding-DNA position 149, A replaced by G.
Protein change: p.Lys50Arg; replaces lysine 50 with arginine.
Molecular consequence: missense variant.
Genome position (GRCh38, 1-based): chr7:93,105,949, T>C on the plus strand (A>G on the coding strand, the complement: SAMD9 is on the minus strand). VCF-style: chr7-93105949-T-C. GRCh37 (hg19) VCF-style: chr7-92735262-T-C.
Other names: c.149A>G, p.Lys50Arg (NM_001193307.2); short protein forms K50R.
Identifiers: ClinVar variation 1704753 (VCV001704753.7), dbSNP rs764461512, ClinGen allele CA4343210.
Genomic context (GRCh38, chr7:93,105,949, plus strand): 5'-AGTTCTTCTATTTGAATAGCTGGTCCATGTGTGATGCCCATATCAACAAGATGTTCTTTT[T>C]TTAACCACTTCAAGACTGCTCCATTCACGTCTTGTTCAGTCAAAATTTCCCTGTGTTTTT-3'
Protein context (NP_060124.2, residues 40-60): DVNGAVLKWL[Lys50Arg]KEHLVDMGIT